The following is an entry in ClinVar:

NM_005228.5(EGFR):c.1498A>G (p.Lys500Glu)

Gene: EGFR (epidermal growth factor receptor; plus strand). Cytogenetic location: 7p11.2.
Variant type: single nucleotide variant.
Coding change: c.1498A>G on transcript NM_005228.5 (MANE Select); coding-DNA position 1498, A replaced by G.
Protein change: p.Lys500Glu; replaces lysine 500 with glutamic acid.
Molecular consequence: missense variant.
Genome position (GRCh38, 1-based): chr7:55,160,338, A>G. VCF-style: chr7-55160338-A-G. GRCh37 (hg19) VCF-style: chr7-55228031-A-G.
Other names: c.1363A>G, p.Lys455Glu (NM_001346897.2, NM_001346899.2); c.1498A>G, p.Lys500Glu (NM_001346898.2, NM_201282.2, NM_201284.2); c.1339A>G, p.Lys447Glu (NM_001346900.2); c.697A>G, p.Lys233Glu (NM_001346941.2); c.1498A>G (NM_005228.3); short protein forms K455E, K233E, K447E, K500E.
Identifiers: ClinVar variation 1386286 (VCV001386286.7), dbSNP rs1206537132, ClinGen allele CA367579746.

ClinVar aggregate classification (germline): Uncertain significance. Review status: criteria provided, multiple submitters, no conflicts (2 of 4 stars). 2 submissions from 2 submitters: Uncertain significance (2). Last evaluated 2026-03-25.

Conditions:
Hereditary cancer-predisposing syndrome. Also called: Neoplastic Syndromes, Hereditary; Tumor predisposition; Hereditary Cancer Syndrome; Hereditary neoplastic syndrome. Identifiers: Orphanet 140162, MedGen C0027672, MeSH D009386, MONDO:0015356.
EGFR-related lung cancer (EGFR). Identifiers: MedGen CN130014.

Allele frequency attached by ClinVar (database versions not stated): gnomAD exomes below 0.00001.
gnomAD v4.1: 2 of 1,612,688 alleles (0.00012%); highest among the groups gnomAD compares: East Asian, 0.0045%; no homozygotes.

Submissions (2):

Ambry Genetics
Classification: Uncertain significance for Hereditary cancer-predisposing syndrome. Last evaluated: 2026-03-25. Review status: criteria provided, single submitter. Criteria: Ambry Variant Classification Scheme 2023. Collection method: clinical testing. Allele origin: germline.
Comment: The c.1498A>G variant (also known as p.K500E), located in coding exon 12 of the EGFR gene, results from an A to G substitution at nucleotide position 1498. The amino acid change results in lysine to glutamic acid at codon 500, an amino acid with similar properties. This amino acid position is not well conserved in available vertebrate species. In addition, this alteration is predicted to be tolerated by in silico analysis. Based on the available evidence, the clinical significance of this variant remains unclear.

Labcorp Genetics (formerly Invitae), Labcorp
Classification: Uncertain significance for EGFR-related lung cancer. Last evaluated: 2025-06-11. Review status: criteria provided, single submitter. Criteria: Invitae Variant Classification Sherloc (09022015). Collection method: clinical testing. Allele origin: germline.
Comment: This sequence change replaces lysine, which is basic and polar, with glutamic acid, which is acidic and polar, at codon 500 of the EGFR protein (p.Lys500Glu). This variant is present in population databases (no rsID available, gnomAD 0.006%). This variant has not been reported in the literature in individuals affected with EGFR-related conditions. ClinVar contains an entry for this variant (Variation ID: 1386286). An algorithm developed to predict the effect of missense changes on protein structure and function outputs the following: PolyPhen-2: "Benign". The glutamic acid amino acid residue is found in multiple mammalian species, which suggests that this missense change does not adversely affect protein function. In summary, the available evidence is currently insufficient to determine the role of this variant in disease. Therefore, it has been classified as a Variant of Uncertain Significance.